The following is an entry in ClinVar:

ClinVar aggregate classification (germline): Likely benign. Review status: criteria provided, multiple submitters, no conflicts (2 of 4 stars). 3 submissions from 3 submitters: Likely benign (3). Last evaluated 2024-10-18.

Allele frequency attached by ClinVar (database versions not stated): 1000 Genomes Project 30x 0.00016; 1000 Genomes Project 0.00020; ExAC 0.00032; gnomAD exomes 0.00035 and 0.00058; TOPMed 0.00044; gnomAD 0.00049 and 0.00050; ESP Exome Variant Server 0.00051.
gnomAD v4.1: 918 of 1,613,736 alleles (0.057%); highest among the groups gnomAD compares: Non-Finnish European, 0.07%; 1 homozygote.

Submissions (3):

Blueprint Genetics
Classification: Likely benign. Last evaluated: 2024-10-18. Review status: criteria provided, single submitter. Criteria: ACMG Guidelines, 2015. Collection method: clinical testing. Allele origin: germline.

CeGaT Center for Human Genetics Tuebingen
Classification: Likely benign. Last evaluated: 2024-01-01. Review status: criteria provided, single submitter. Criteria: CeGaT Center For Human Genetics Tuebingen Variant Classification Criteria Version 2. Collection method: clinical testing. Allele origin: germline. Affected: yes. Observed: 1 variant allele.
Comment: ADGRG6: BP4, BP7

Labcorp Genetics (formerly Invitae), Labcorp
Classification: Likely benign. Last evaluated: 2017-10-09. Review status: criteria provided, single submitter. Criteria: Invitae Variant Classification Sherloc (09022015). Collection method: clinical testing. Allele origin: germline.

NM_198569.3(ADGRG6):c.966C>G (p.Leu322=)

Gene: ADGRG6 (adhesion G protein-coupled receptor G6; plus strand). Cytogenetic location: 6q24.2.
Variant type: single nucleotide variant.
Coding change: c.966C>G on transcript NM_198569.3 (MANE Select); coding-DNA position 966, C replaced by G.
Protein change: p.Leu322=; no amino-acid change (leucine 322 retained).
Molecular consequence: synonymous variant.
Genome position (GRCh38, 1-based): chr6:142,370,690, C>G. VCF-style: chr6-142370690-C-G. GRCh37 (hg19) VCF-style: chr6-142691827-C-G.
Other names: c.966C>G, p.Leu322= (NM_001032394.3, NM_001032395.3, NM_020455.6).
Identifiers: ClinVar variation 788643 (VCV000788643.26), dbSNP rs201582584, ClinGen allele CA4026736.